The following is an entry in ClinVar:

ClinVar aggregate classification (germline): Uncertain significance. Review status: criteria provided, multiple submitters, no conflicts (2 of 4 stars). 2 submissions from 2 submitters: Uncertain significance (2). Last evaluated 2025-09-28.

Submissions (2):

Ambry Genetics
Classification: Uncertain significance. Last evaluated: 2025-09-28. Review status: criteria provided, single submitter. Criteria: Ambry Variant Classification Scheme 2023. Collection method: clinical testing. Allele origin: germline.

CeGaT Center for Human Genetics Tuebingen
Classification: Uncertain significance. Last evaluated: 2025-09-01. Review status: criteria provided, single submitter. Criteria: CeGaT Center For Human Genetics Tuebingen Variant Classification Criteria Version 2. Collection method: clinical testing. Allele origin: germline. Affected: yes. Observed: 1 variant allele.
Comment: PRKAR1B: PM2, PP3

NM_001164760.2(PRKAR1B):c.683G>A (p.Arg228Gln)

Gene: PRKAR1B (protein kinase cAMP-dependent type I regulatory subunit beta; minus strand). Cytogenetic location: 7p22.3.
Variant type: single nucleotide variant.
Coding change: c.683G>A on transcript NM_001164760.2 (MANE Select); coding-DNA position 683, G replaced by A.
Protein change: p.Arg228Gln; replaces arginine 228 with glutamine.
Molecular consequence: missense variant.
Genome position (GRCh38, 1-based): chr7:596,171, C>T on the plus strand (G>A on the coding strand, the complement: PRKAR1B is on the minus strand). VCF-style: chr7-596171-C-T. GRCh37 (hg19) VCF-style: chr7-635808-C-T.
Other names: c.683G>A (NM_001164761.1); c.683G>A, p.Arg228Gln (NM_001164758.2, NM_001164759.1, NM_001164761.2 and 2 more transcripts); short protein forms R228Q.
Identifiers: ClinVar variation 4281114 (VCV004281114.7).